The following is an entry in ClinVar:

ClinVar aggregate classification (germline): Benign (1 of 4 stars; one submission).

Allele frequency attached by ClinVar (database versions not stated): 1000 Genomes Project 0.50938; 1000 Genomes Project 30x 0.51015; TOPMed 0.55834; gnomAD 0.56140 and 0.56240.
gnomAD v4.1: 85,275 of 151,856 alleles (56%); highest among the groups gnomAD compares: Admixed American, 65%; 24,647 homozygotes.

Submission:

GeneDx
Classification: Benign. Last evaluated: 2018-06-14. Review status: criteria provided, single submitter. Criteria: GeneDx Variant Classification (06012015). Collection method: clinical testing. Allele origin: germline. Affected: yes.
Comment: This variant is considered likely benign or benign based on one or more of the following criteria: it is a conservative change, it occurs at a poorly conserved position in the protein, it is predicted to be benign by multiple in silico algorithms, and/or has population frequency not consistent with disease.

NM_006846.4(SPINK5):c.2964+225A>G

Gene: SPINK5 (serine peptidase inhibitor Kazal type 5; plus strand). Cytogenetic location: 5q32.
Variant type: single nucleotide variant.
Coding change: c.2964+225A>G on transcript NM_006846.4 (MANE Select); 225 bases into the intron after coding-DNA position 2964, A replaced by G.
Molecular consequence: intron variant.
Genome position (GRCh38, 1-based): chr5:148,127,304, A>G. VCF-style: chr5-148127304-A-G. GRCh37 (hg19) VCF-style: chr5-147506867-A-G.
Other names: c.3054+225A>G (NM_001127698.2).
Identifiers: ClinVar variation 677143 (VCV000677143.1), dbSNP rs2303073, ClinGen allele CA128945357.
Genomic context (GRCh38, chr5:148,127,304, plus strand): 5'-GGGATTTCTCATTAGTGCCTTATCCTGTGCCCTTTGAGATTATTTGCCCTGCTTCAATTT[A>G]GTACATTTTGAAATTTACAATGTGTGTGTGGAATAATTGTGACTAATTTCACATATGGTA-3'